The following is an entry in ClinVar:

NM_001042492.3(NF1):c.6765_6766del (p.Ile2255fs)

Gene: NF1 (neurofibromin 1; plus strand). Cytogenetic location: 17q11.2.
Variant type: Deletion.
Coding change: c.6765_6766del on transcript NM_001042492.3 (MANE Select); coding-DNA positions 6765 to 6766, 2 bases deleted (TA; older notation c.6765_6766delTA).
Protein change: p.Ile2255fs; shifts the reading frame from isoleucine 2255.
Molecular consequence: frameshift variant.
Genome position (GRCh38, 1-based): chr17:31,338,085-31,338,086, TA deleted. VCF-style (leftmost placement, unchanged base first): chr17-31338084-TTA-T. GRCh37 (hg19) VCF-style: chr17-29665102-TTA-T.
Other names: c.6702_6703delTA, p.Ile2234Metfs (NM_000267.4); short protein forms I2234fs, I2255fs.
Identifiers: ClinVar variation 2747620 (VCV002747620.3), dbSNP rs2508759396, ClinGen allele CA2697559610.

ClinVar aggregate classification (germline): Pathogenic (1 of 4 stars; one submission).

Conditions:
Neurofibromatosis, type 1 (NF1). Also called: Peripheral type neurofibromatosis; NEUROFIBROMATOSIS, TYPE I, SOMATIC; VON RECKLINGHAUSEN DISEASE; Neurofibromatosis, type I. Identifiers: Orphanet 636, MedGen C0027831, MONDO:0018975, OMIM 162200. Disease mechanism: loss of function.

Submission:

Labcorp Genetics (formerly Invitae), Labcorp
Classification: Pathogenic for Neurofibromatosis, type 1. Last evaluated: 2023-09-08. Review status: criteria provided, single submitter. Criteria: Invitae Variant Classification Sherloc (09022015). Collection method: clinical testing. Allele origin: germline.
Comment: For these reasons, this variant has been classified as Pathogenic. This variant has not been reported in the literature in individuals affected with NF1-related conditions. This variant is not present in population databases (gnomAD no frequency). This sequence change creates a premature translational stop signal (p.Ile2234Metfs*17) in the NF1 gene. It is expected to result in an absent or disrupted protein product. Loss-of-function variants in NF1 are known to be pathogenic (PMID: 10712197, 23913538).

Literature cited by the submitters: PubMed 10712197; PubMed 23913538.